The following is an entry in ClinVar:

NM_001287.6(CLCN7):c.439G>A (p.Val147Met)

Gene: CLCN7 (chloride voltage-gated channel 7; minus strand). Cytogenetic location: 16p13.3.
Variant type: single nucleotide variant.
Coding change: c.439G>A on transcript NM_001287.6 (MANE Select); coding-DNA position 439, G replaced by A.
Protein change: p.Val147Met; replaces valine 147 with methionine.
Molecular consequence: missense variant.
Genome position (GRCh38, 1-based): chr16:1,460,861, C>T on the plus strand (G>A on the coding strand, the complement: CLCN7 is on the minus strand). VCF-style: chr16-1460861-C-T. GRCh37 (hg19) VCF-style: chr16-1510862-C-T.
Other names: c.367G>A, p.Val123Met (NM_001114331.3); short protein forms V147M, V123M.
Identifiers: ClinVar variation 1477444 (VCV001477444.8), dbSNP rs764560333, ClinGen allele CA7810789.

ClinVar aggregate classification (germline): Uncertain significance (1 of 4 stars; one submission).

Allele frequency attached by ClinVar (database versions not stated): TOPMed below 0.00001; gnomAD 0.00001; gnomAD exomes 0.00001 and 0.00002; ExAC 0.00002.
gnomAD v4.1: 7 of 1,613,930 alleles (0.00043%); highest among the groups gnomAD compares: Admixed American, 0.005%; no homozygotes.

Submission:

Labcorp Genetics (formerly Invitae), Labcorp
Classification: Uncertain significance. Last evaluated: 2025-02-10. Review status: criteria provided, single submitter. Criteria: Invitae Variant Classification Sherloc (09022015). Collection method: clinical testing. Allele origin: germline.
Comment: This sequence change replaces valine, which is neutral and non-polar, with methionine, which is neutral and non-polar, at codon 147 of the CLCN7 protein (p.Val147Met). This variant is present in population databases (rs764560333, gnomAD 0.009%). This variant has not been reported in the literature in individuals affected with CLCN7-related conditions. ClinVar contains an entry for this variant (Variation ID: 1477444). Invitae Evidence Modeling of protein sequence and biophysical properties (such as structural, functional, and spatial information, amino acid conservation, physicochemical variation, residue mobility, and thermodynamic stability) indicates that this missense variant is not expected to disrupt CLCN7 protein function with a negative predictive value of 95%. In summary, the available evidence is currently insufficient to determine the role of this variant in disease. Therefore, it has been classified as a Variant of Uncertain Significance.